The following is an entry in ClinVar:

NC_000019.10:g.39248147C>T

Genes: IFNL3 (interferon lambda 3; minus strand), IFNL4 (interferon lambda 4 (gene/pseudogene); minus strand). Cytogenetic location: 19q13.2.
Variant type: single nucleotide variant.
Genome position: GRCh38 VCF-style: chr19-39248147-C-T. GRCh37 (hg19) VCF-style: chr19-39738787-C-T.
Other names: c.151-152G>A (NM_001276254.2).
Identifiers: ClinVar variation 225949 (VCV000225949.4), dbSNP rs12979860, ClinGen allele CA10576188.

ClinVar aggregate classification (germline): drug response. Review status: reviewed by expert panel (3 of 4 stars). 4 submissions from 2 submitters: drug response (3). 1 of the submissions does not count toward it. Last evaluated 2021-03-24.

Conditions:
peginterferon alfa-2a, peginterferon alfa-2b, and ribavirin response - Efficacy. Identifiers: MedGen CN322718.
peginterferon alfa-2a, peginterferon alfa-2b, ribavirin, and telaprevir response - Efficacy. Identifiers: MedGen CN322719.
boceprevir, peginterferon alfa-2a, peginterferon alfa-2b and ribavirin response - Efficacy.

Allele frequency attached by ClinVar (database versions not stated): gnomAD exomes 0.28229; 1000 Genomes Project 0.35583; 1000 Genomes Project 30x 0.37180; gnomAD 0.37827; TOPMed 0.40683.

Submissions (4):

ClinPGx
Classification: drug response for peginterferon alfa-2a, peginterferon alfa-2b and ribavirin response - Efficacy. Last evaluated: 2021-03-24. Review status: reviewed by expert panel. Criteria: Pharmacogenomics knowledge for personalized medicine. Collection method: curation. Allele origin: germline. Affected: yes.
Comment: PharmGKB Level of Evidence 1A: Level 1A clinical annotations describe variant-drug combinations that have variant-specific prescribing guidance available in a current clinical guideline annotation or an FDA-approved drug label annotation. Annotations of drug labels or clinical guidelines must give prescribing guidance for specific variants (e.g. CYP2C9*3, HLA-B*57:01) or provide mapping from defined allele functions to diplotypes and phenotypes to be used as supporting evidence for a level 1A clinical annotation. Level 1A clinical annotations must also be supported by at least one publication in addition to a clinical guideline or drug label with variant-specific prescribing guidance.

Drug is not necessarily used to treat response condition

ClinPGx
Classification: drug response for peginterferon alfa-2a, peginterferon alfa-2b, ribavirin and telaprevir response - Efficacy. Last evaluated: 2021-03-24. Review status: reviewed by expert panel. Criteria: Pharmacogenomics knowledge for personalized medicine. Collection method: curation. Allele origin: germline. Affected: yes.
Comment: the same text as in the submission from ClinPGx above.

ClinPGx
Classification: drug response for boceprevir, peginterferon alfa-2a, peginterferon alfa-2b and ribavirin response - Efficacy. Last evaluated: 2021-03-24. Review status: reviewed by expert panel. Criteria: Pharmacogenomics knowledge for personalized medicine. Collection method: curation. Allele origin: germline. Affected: yes.
Comment: the same text as in the submission from ClinPGx above.

GeneDx
Classification: Benign. Last evaluated: 2018-03-09. Review status: criteria provided, single submitter. Criteria: GeneDx Variant Classification (06012015). Collection method: clinical testing. Allele origin: germline. Affected: yes. Not counted in ClinVar's aggregate classification.
Comment: This variant is considered likely benign or benign based on one or more of the following criteria: it is a conservative change, it occurs at a poorly conserved position in the protein, it is predicted to be benign by multiple in silico algorithms, and/or has population frequency not consistent with disease.

Literature cited by the submitters: PubMed 19684573 (cited by ClinPGx); PubMed 20176026 (cited by ClinPGx); PubMed 20389235 (cited by ClinPGx); PubMed 20399780 (cited by ClinPGx); PubMed 20578254 (cited by ClinPGx); PubMed 20621700 (cited by ClinPGx); PubMed 20728570 (cited by ClinPGx); PubMed 20804372 (cited by ClinPGx); PubMed 20931559 (cited by ClinPGx); PubMed 20964522 (cited by ClinPGx); PubMed 21068134 (cited by ClinPGx); PubMed 21112657 (cited by ClinPGx); PubMed 21145807 (cited by ClinPGx); PubMed 21157362 (cited by ClinPGx); PubMed 21254158 (cited by ClinPGx); PubMed 21346780 (cited by ClinPGx); PubMed 21374656 (cited by ClinPGx); PubMed 21390311 (cited by ClinPGx); PubMed 21447862 (cited by ClinPGx); PubMed 21466653 (cited by ClinPGx); PubMed 21505315 (cited by ClinPGx); PubMed 21537116 (cited by ClinPGx); PubMed 21572301 (cited by ClinPGx); PubMed 21606533 (cited by ClinPGx); PubMed 21726252 (cited by ClinPGx); PubMed 21907615 (cited by ClinPGx); PubMed 21911885 (cited by ClinPGx); PubMed 21951981 (cited by ClinPGx); PubMed 21987611 (cited by ClinPGx); PubMed 21993426 (cited by ClinPGx); PubMed 22328925 (cited by ClinPGx); PubMed 22345656 (cited by ClinPGx); PubMed 22368681 (cited by ClinPGx); PubMed 22438096 (cited by ClinPGx); PubMed 22863269 (cited by ClinPGx); PubMed 23142377 (cited by ClinPGx); PubMed 23291588 (cited by ClinPGx); PubMed 23321318 (cited by ClinPGx); PubMed 23383658 (cited by ClinPGx); PubMed 23490377 (cited by ClinPGx); PubMed 23712427 (cited by ClinPGx); PubMed 24072198 (cited by ClinPGx); PubMed 24073221 (cited by ClinPGx); PubMed 24102823 (cited by ClinPGx); PubMed 24117654 (cited by ClinPGx); PubMed 24308755 (cited by ClinPGx); PubMed 24748394 (cited by ClinPGx); PubMed 24768758 (cited by ClinPGx); PubMed 25278709 (cited by ClinPGx); PubMed 25705565 (cited by ClinPGx); PubMed 25918016 (cited by ClinPGx); PubMed 25958342 (cited by ClinPGx); PubMed 26032235 (cited by ClinPGx); PubMed 26098993 (cited by ClinPGx); PubMed 26284539 (cited by ClinPGx); PubMed 26339796 (cited by ClinPGx); PubMed 26699619 (cited by ClinPGx); PubMed 26902034 (cited by ClinPGx); PubMed 26911666 (cited by ClinPGx); PubMed 27498543 (cited by ClinPGx); PubMed 27514956 (cited by ClinPGx); PubMed 27714501 (cited by ClinPGx); PubMed 27833958 (cited by ClinPGx); PubMed 28186161 (cited by ClinPGx); PubMed 28261910 (cited by ClinPGx); PubMed 28703131 (cited by ClinPGx); PubMed 28739427 (cited by ClinPGx); PubMed 30450628 (cited by ClinPGx); PubMed 31803800 (cited by ClinPGx); PubMed 20648473 (cited by ClinPGx); PubMed 21246582 (cited by ClinPGx); PubMed 25393304 (cited by ClinPGx); PubMed 26191484 (cited by ClinPGx); PubMed 26670100 (cited by ClinPGx); PubMed 27711230 (cited by ClinPGx); PubMed 28469811 (cited by ClinPGx); PubMed 22626609 (cited by ClinPGx).